The following is an entry in ClinVar:

ClinVar aggregate classification (germline): Uncertain significance. Review status: criteria provided, multiple submitters, no conflicts (2 of 4 stars). 2 submissions from 2 submitters: Uncertain significance (2). Last evaluated 2024-11-08.

gnomAD v4.1: 24 of 1,613,570 alleles (0.0015%); highest among the groups gnomAD compares: African/African-American, 0.0067%; no homozygotes.

Submissions (2):

Ambry Genetics
Classification: Uncertain significance. Last evaluated: 2024-11-08. Review status: criteria provided, single submitter. Criteria: Ambry Variant Classification Scheme 2023. Collection method: clinical testing. Allele origin: germline.

Labcorp Genetics (formerly Invitae), Labcorp
Classification: Uncertain significance. Last evaluated: 2024-06-28. Review status: criteria provided, single submitter. Criteria: Invitae Variant Classification Sherloc (09022015). Collection method: clinical testing. Allele origin: germline.
Comment: This sequence change replaces glycine, which is neutral and non-polar, with tryptophan, which is neutral and slightly polar, at codon 436 of the NYNRIN protein (p.Gly436Trp). This variant is present in population databases (rs777654963, gnomAD 0.02%). This variant has not been reported in the literature in individuals affected with NYNRIN-related conditions. In summary, the available evidence is currently insufficient to determine the role of this variant in disease. Therefore, it has been classified as a Variant of Uncertain Significance.

NM_025081.3(NYNRIN):c.1306G>T (p.Gly436Trp)

Gene: NYNRIN (NYN domain and retroviral integrase containing; plus strand). Cytogenetic location: 14q12.
Variant type: single nucleotide variant.
Coding change: c.1306G>T on transcript NM_025081.3 (MANE Select); coding-DNA position 1306, G replaced by T.
Protein change: p.Gly436Trp; replaces glycine 436 with tryptophan.
Molecular consequence: missense variant.
Genome position (GRCh38, 1-based): chr14:24,409,100, G>T. VCF-style: chr14-24409100-G-T. GRCh37 (hg19) VCF-style: chr14-24878306-G-T.
Other names: short protein forms G436W.
Identifiers: ClinVar variation 3409148 (VCV003409148.3).